The following is an entry in ClinVar:

ClinVar aggregate classification (germline): Uncertain significance (1 of 4 stars; one submission).

Conditions:
Hereditary hemorrhagic telangiectasia (HHT). Also called: ORW DISEASE; Osler Weber Rendu syndrome; OSLER-RENDU-WEBER DISEASE; Osler hemorrhagic telangiectasia syndrome. Identifiers: Orphanet 774, MedGen C0039445, MONDO:0019180. Disease mechanism: loss of function.

gnomAD v4.1: 2 of 1,613,948 alleles (0.00012%); highest among the groups gnomAD compares: South Asian, 0.0011%; no homozygotes.

Submission:

Labcorp Genetics (formerly Invitae), Labcorp
Classification: Uncertain significance for Hereditary hemorrhagic telangiectasia. Last evaluated: 2023-10-05. Review status: criteria provided, single submitter. Criteria: Invitae Variant Classification Sherloc (09022015). Collection method: clinical testing. Allele origin: germline.
Comment: This sequence change replaces valine, which is neutral and non-polar, with phenylalanine, which is neutral and non-polar, at codon 133 of the ENG protein (p.Val133Phe). This variant is not present in population databases (gnomAD no frequency). This variant has not been reported in the literature in individuals affected with ENG-related conditions. Advanced modeling of protein sequence and biophysical properties (such as structural, functional, and spatial information, amino acid conservation, physicochemical variation, residue mobility, and thermodynamic stability) performed at Invitae indicates that this missense variant is not expected to disrupt ENG protein function. In summary, the available evidence is currently insufficient to determine the role of this variant in disease. Therefore, it has been classified as a Variant of Uncertain Significance.

NM_001114753.3(ENG):c.397G>T (p.Val133Phe)

Gene: ENG (endoglin; minus strand). Cytogenetic location: 9q34.11.
Variant type: single nucleotide variant.
Coding change: c.397G>T on transcript NM_001114753.3 (MANE Select); coding-DNA position 397, G replaced by T.
Protein change: p.Val133Phe; replaces valine 133 with phenylalanine.
Molecular consequence: missense variant. On other transcripts: 5 prime UTR variant (1).
Genome position (GRCh38, 1-based): chr9:127,826,636, C>A on the plus strand (G>T on the coding strand, the complement: ENG is on the minus strand). VCF-style: chr9-127826636-C-A. GRCh37 (hg19) VCF-style: chr9-130588915-C-A.
Other names: c.-150G>T (NM_001278138.2); c.397G>T, p.Val133Phe (NM_001406715.1, NM_000118.4); short protein forms V133F.
Identifiers: ClinVar variation 2739671 (VCV002739671.3), dbSNP rs1231444501, ClinGen allele CA374984358.